The following is an entry in ClinVar:

NM_000038.6(APC):c.6095T>G (p.Ile2032Ser)

Gene: APC (APC regulator of Wnt signaling pathway; plus strand). Cytogenetic location: 5q22.2.
Variant type: single nucleotide variant.
Coding change: c.6095T>G on transcript NM_000038.6 (MANE Select); coding-DNA position 6095, T replaced by G.
Protein change: p.Ile2032Ser; replaces isoleucine 2032 with serine.
Molecular consequence: missense variant.
Genome position (GRCh38, 1-based): chr5:112,841,689, T>G. VCF-style: chr5-112841689-T-G. GRCh37 (hg19) VCF-style: chr5-112177386-T-G.
Other names: c.6095T>G, p.Ile2032Ser (NM_001127510.3, NM_001354895.2); c.6041T>G, p.Ile2014Ser (NM_001127511.3); c.6149T>G, p.Ile2050Ser (NM_001354896.2); c.6125T>G, p.Ile2042Ser (NM_001354897.2); c.6020T>G, p.Ile2007Ser (NM_001354898.2); c.6011T>G, p.Ile2004Ser (NM_001354899.2); c.5972T>G, p.Ile1991Ser (NM_001354900.2); c.5918T>G, p.Ile1973Ser (NM_001354901.2); and 5 more; short protein forms I2007S, I1941S, I2014S, I1749S, I1872S, I1906S, I1973S, I1991S.
Identifiers: ClinVar variation 921524 (VCV000921524.4), dbSNP rs1766133117, ClinGen allele CA16034674.

ClinVar aggregate classification (germline): Uncertain significance (1 of 4 stars; one submission).

Conditions:
Hereditary cancer-predisposing syndrome. Also called: Neoplastic Syndromes, Hereditary; Tumor predisposition; Hereditary Cancer Syndrome; Hereditary neoplastic syndrome. Identifiers: Orphanet 140162, MedGen C0027672, MeSH D009386, MONDO:0015356.

Submission:

Color Diagnostics, LLC DBA Color Health
Classification: Uncertain significance for Hereditary cancer-predisposing syndrome. Last evaluated: 2024-03-06. Review status: criteria provided, single submitter. Criteria: ACMG Guidelines, 2015. Collection method: clinical testing. Allele origin: germline.
Comment: This missense variant replaces isoleucine with serine at codon 2032 of the APC protein. Computational prediction tool is inconclusive regarding the impact of this variant on protein structure and function (internally defined REVEL score threshold 0.5 < inconclusive < 0.7, PMID: 27666373). Splice site prediction tools suggest that this variant may not impact RNA splicing. To our knowledge, functional studies have not been performed for this variant. This variant has not been reported in individuals affected with hereditary cancer in the literature. This variant has not been identified in the general population by the Genome Aggregation Database (gnomAD). The available evidence is insufficient to determine the role of this variant in disease conclusively. Therefore, this variant is classified as a Variant of Uncertain Significance.